The following is an entry in ClinVar:

ClinVar aggregate classification (germline): Uncertain significance (1 of 4 stars; one submission).

gnomAD v4.1: 5 of 1,611,850 alleles (0.00031%); highest among the groups gnomAD compares: South Asian, 0.0022%; no homozygotes.

Submission:

Labcorp Genetics (formerly Invitae), Labcorp
Classification: Uncertain significance. Last evaluated: 2024-12-12. Review status: criteria provided, single submitter. Criteria: Invitae Variant Classification Sherloc (09022015). Collection method: clinical testing. Allele origin: germline.
Comment: This sequence change replaces methionine, which is neutral and non-polar, with valine, which is neutral and non-polar, at codon 250 of the PRPF31 protein (p.Met250Val). This variant is present in population databases (rs587739828, gnomAD 0.003%). This variant has not been reported in the literature in individuals affected with PRPF31-related conditions. An algorithm developed to predict the effect of missense changes on protein structure and function (PolyPhen-2) suggests that this variant is likely to be tolerated. In summary, the available evidence is currently insufficient to determine the role of this variant in disease. Therefore, it has been classified as a Variant of Uncertain Significance.

NM_015629.4(PRPF31):c.748A>G (p.Met250Val)

Gene: PRPF31 (pre-mRNA processing factor 31; plus strand). Cytogenetic location: 19q13.42.
Variant type: single nucleotide variant.
Coding change: c.748A>G on transcript NM_015629.4 (MANE Select); coding-DNA position 748, A replaced by G.
Protein change: p.Met250Val; replaces methionine 250 with valine.
Molecular consequence: missense variant.
Genome position (GRCh38, 1-based): chr19:54,124,549, A>G. VCF-style: chr19-54124549-A-G. GRCh37 (hg19) VCF-style: chr19-54627928-A-G.
Other names: short protein forms M250V.
Identifiers: ClinVar variation 3689023 (VCV003689023.2).